The following is an entry in ClinVar:

ClinVar aggregate classification (germline): Uncertain significance. Review status: criteria provided, multiple submitters, no conflicts (2 of 4 stars). 4 submissions from 4 submitters: Uncertain significance (3). 1 of the submissions does not count toward it. Last evaluated 2026-02-12.

Conditions:
CHRNE-related disorder. Also called: CHRNE-related condition.
Inborn genetic diseases. Identifiers: MedGen C0950123, MeSH D030342.
Congenital myasthenic syndrome (CMS). Also called: Congenital Myasthenic Syndromes. Identifiers: Orphanet 590, MedGen C0751882, MeSH D020294, MONDO:0018940.
Congenital myasthenic syndrome 4A. Also called: Myasthenic syndrome, congenital, 4a, slow-channel; CONGENITAL MYASTHENIC SYNDROME TYPE Ia1; MYASTHENIC SYNDROME, CONGENITAL, 4A, SLOW-CHANNEL, AUTOSOMAL RECESSIVE. Identifiers: Orphanet 590, MedGen C4225413, MONDO:0011600, OMIM 605809.

Allele frequency attached by ClinVar (database versions not stated): TOPMed 0.00008; ESP Exome Variant Server 0.00015.
gnomAD v4.1: 147 of 1,614,034 alleles (0.0091%); highest among the groups gnomAD compares: Non-Finnish European, 0.011%; no homozygotes.

Submissions (4):

PreventionGenetics, part of Exact Sciences
Classification: Uncertain significance for CHRNE-related condition. Last evaluated: 2026-02-12. Review status: criteria provided, single submitter. Criteria: ACMG Guidelines, 2015. Collection method: clinical testing. Allele origin: germline.
Comment: The CHRNE c.202G>C variant is predicted to result in the amino acid substitution p.Glu68Gln. To our knowledge, this variant has not been reported in the literature. This variant is reported in 0.0046% of alleles in individuals of European (Non-Finnish) descent in gnomAD. At this time, the clinical significance of this variant is uncertain due to the absence of conclusive functional and genetic evidence.

Ambry Genetics
Classification: Uncertain significance for Inborn genetic diseases. Last evaluated: 2025-01-17. Review status: criteria provided, single submitter. Criteria: Ambry Variant Classification Scheme 2023. Collection method: clinical testing. Allele origin: germline.

Labcorp Genetics (formerly Invitae), Labcorp
Classification: Uncertain significance for Congenital myasthenic syndrome 4A. Last evaluated: 2022-03-18. Review status: criteria provided, single submitter. Criteria: Invitae Variant Classification Sherloc (09022015). Collection method: clinical testing. Allele origin: germline.
Comment: This sequence change replaces glutamic acid, which is acidic and polar, with glutamine, which is neutral and polar, at codon 68 of the CHRNE protein (p.Glu68Gln). This variant is present in population databases (rs149766604, gnomAD 0.005%). This variant has not been reported in the literature in individuals affected with CHRNE-related conditions. ClinVar contains an entry for this variant (Variation ID: 655781). Advanced modeling of protein sequence and biophysical properties (such as structural, functional, and spatial information, amino acid conservation, physicochemical variation, residue mobility, and thermodynamic stability) performed at Invitae indicates that this missense variant is not expected to disrupt CHRNE protein function. In summary, the available evidence is currently insufficient to determine the role of this variant in disease. Therefore, it has been classified as a Variant of Uncertain Significance.

Natera, Inc.
Classification: Uncertain significance for Congenital myasthenic syndrome. Last evaluated: 2020-09-16. Review status: no assertion criteria provided. Collection method: clinical testing. Allele origin: germline. Not counted in ClinVar's aggregate classification.

NM_000080.4(CHRNE):c.202G>C (p.Glu68Gln)

Genes: C17orf107 (chromosome 17 open reading frame 107; plus strand), CHRNE (cholinergic receptor nicotinic epsilon subunit; minus strand). Cytogenetic location: 17p13.2.
Variant type: single nucleotide variant.
Coding change: c.202G>C on transcript NM_000080.4 (MANE Select); coding-DNA position 202, G replaced by C.
Protein change: p.Glu68Gln; replaces glutamic acid 68 with glutamine.
Molecular consequence: missense variant. On other transcripts: 3 prime UTR variant (1).
Genome position (GRCh38, 1-based): chr17:4,902,482, C>G on the plus strand (G>C on the coding strand, the complement: CHRNE is on the minus strand). VCF-style: chr17-4902482-C-G. GRCh37 (hg19) VCF-style: chr17-4805777-C-G.
Other names: c.*1949C>G (NM_001145536.2); short protein forms E68Q.
Identifiers: ClinVar variation 655781 (VCV000655781.6), dbSNP rs149766604, ClinGen allele CA8314575.